The following is an entry in ClinVar:

NM_022114.4(PRDM16):c.3384G>C (p.Glu1128Asp)

Gene: PRDM16 (PR/SET domain 16; plus strand). Cytogenetic location: 1p36.32.
Variant type: single nucleotide variant.
Coding change: c.3384G>C on transcript NM_022114.4 (MANE Select); coding-DNA position 3384, G replaced by C.
Protein change: p.Glu1128Asp; replaces glutamic acid 1128 with aspartic acid.
Molecular consequence: missense variant.
Genome position (GRCh38, 1-based): chr1:3,430,971, G>C. VCF-style: chr1-3430971-G-C. GRCh37 (hg19) VCF-style: chr1-3347535-G-C.
Other names: c.3384G>C, p.Glu1128Asp (NM_199454.3); short protein forms E1128D.
Identifiers: ClinVar variation 1198152 (VCV001198152.3), dbSNP rs770629291, ClinGen allele CA544856.
Genomic context (GRCh38, chr1:3,430,971, plus strand): 5'-AGGCCTAGCCAGTGAGAAGCAGGAGGACGTGGAGGAGGAGGACGACGATGACCTGGAGGA[G>C]GACGATGAGGACAGCCTGGCCGGGAAGTCGCAGGATGACACCGTGTCCCCCGCACCCGAG-3'
Protein context (NP_071397.3, residues 1118-1138): VEEEDDDDLE[Glu1128Asp]DDEDSLAGKS

ClinVar aggregate classification (germline): Uncertain significance (1 of 4 stars; one submission).

Allele frequency attached by ClinVar (database versions not stated): ExAC 0.00001; gnomAD 0.00001 and 0.00002; gnomAD exomes 0.00001; TOPMed 0.00001.
gnomAD v4.1: 14 of 1,611,442 alleles (0.00087%); highest among the groups gnomAD compares: African/African-American, 0.0027%; no homozygotes.

Submission:

GeneDx
Classification: Uncertain significance. Last evaluated: 2024-07-15. Review status: criteria provided, single submitter. Criteria: GeneDx Variant Classification Process June 2021. Collection method: clinical testing. Allele origin: germline. Affected: yes.
Comment: Has not been previously published as pathogenic or benign to our knowledge; Not observed at significant frequency in large population cohorts (gnomAD); In silico analysis indicates that this missense variant does not alter protein structure/function